The following is an entry in ClinVar:

NM_000245.4(MET):c.2102+6G>C

Gene: MET (MET proto-oncogene, receptor tyrosine kinase; plus strand). Cytogenetic location: 7q31.2.
Variant type: single nucleotide variant.
Coding change: c.2102+6G>C on transcript NM_000245.4 (MANE Select); 6 bases into the intron after coding-DNA position 2102, G replaced by C.
Molecular consequence: intron variant.
Genome position (GRCh38, 1-based): chr7:116,757,780, G>C. VCF-style: chr7-116757780-G-C. GRCh37 (hg19) VCF-style: chr7-116397834-G-C.
Other names: c.2102+6G>C (NM_001127500.3, NM_001324401.3); c.812+6G>C (NM_001324402.2).
Identifiers: ClinVar variation 3658842 (VCV003658842.2).

ClinVar aggregate classification (germline): Uncertain significance (1 of 4 stars; one submission).

Conditions:
Renal cell carcinoma. Identifiers: Orphanet 217071, MedGen C0007134, MeSH D002292, MONDO:0005086, HP:0005584.

Submission:

Labcorp Genetics (formerly Invitae), Labcorp
Classification: Uncertain significance for Renal cell carcinoma. Last evaluated: 2024-07-06. Review status: criteria provided, single submitter. Criteria: Invitae Variant Classification Sherloc (09022015). Collection method: clinical testing. Allele origin: germline.
Comment: This sequence change falls in intron 8 of the MET gene. It does not directly change the encoded amino acid sequence of the MET protein. It affects a nucleotide within the consensus splice site. This variant is not present in population databases (gnomAD no frequency). This variant has not been reported in the literature in individuals affected with MET-related conditions. Variants that disrupt the consensus splice site are a relatively common cause of aberrant splicing (PMID: 17576681, 9536098). Algorithms developed to predict the effect of sequence changes on RNA splicing suggest that this variant is not likely to affect RNA splicing. In summary, the available evidence is currently insufficient to determine the role of this variant in disease. Therefore, it has been classified as a Variant of Uncertain Significance.

Literature cited by the submitters: PubMed 17576681; PubMed 9536098.